The following is an entry in ClinVar:

NM_181789.4(GLDN):c.1423G>A (p.Ala475Thr)

Gene: GLDN (gliomedin; plus strand). Cytogenetic location: 15q21.2.
Variant type: single nucleotide variant.
Coding change: c.1423G>A on transcript NM_181789.4 (MANE Select); coding-DNA position 1423, G replaced by A.
Protein change: p.Ala475Thr; replaces alanine 475 with threonine.
Molecular consequence: missense variant.
Genome position (GRCh38, 1-based): chr15:51,404,521, G>A. VCF-style: chr15-51404521-G-A. GRCh37 (hg19) VCF-style: chr15-51696718-G-A.
Other names: c.1051G>A, p.Ala351Thr (NM_001330297.2); short protein forms A351T, A475T.
Identifiers: ClinVar variation 4845823 (VCV004845823.1).

ClinVar aggregate classification (germline): Likely pathogenic (1 of 4 stars; one submission).

Conditions:
Lethal congenital contracture syndrome 11 (LCCS11). Identifiers: MedGen C4310670, MONDO:0014965, OMIM 617194.

gnomAD v4.1: 12 of 1,613,972 alleles (0.00074%); highest among the groups gnomAD compares: East Asian, 0.0045%; no homozygotes.

Submission:

First Genomix Gene Laboratory, Genetic Diagnostics Department
Classification: Likely pathogenic for Lethal congenital contracture syndrome 11. Last evaluated: 2025-03-27. Review status: criteria provided, single submitter. Criteria: ACMG Guidelines, 2015. Collection method: clinical testing. Allele origin: germline. Inheritance: Autosomal recessive inheritance. Affected: no. Observed: 1 variant allele.